The following is an entry in ClinVar:

NM_014875.3(KIF14):c.3902G>A (p.Arg1301Gln)

Gene: KIF14 (kinesin family member 14; minus strand). Cytogenetic location: 1q32.1.
Variant type: single nucleotide variant.
Coding change: c.3902G>A on transcript NM_014875.3 (MANE Select); coding-DNA position 3902, G replaced by A.
Protein change: p.Arg1301Gln; replaces arginine 1301 with glutamine.
Molecular consequence: missense variant.
Genome position (GRCh38, 1-based): chr1:200,565,238, C>T on the plus strand (G>A on the coding strand, the complement: KIF14 is on the minus strand). VCF-style: chr1-200565238-C-T. GRCh37 (hg19) VCF-style: chr1-200534366-C-T.
Other names: c.2429G>A, p.Arg810Gln (NM_001305792.1); short protein forms R810Q, R1301Q.
Identifiers: ClinVar variation 1476965 (VCV001476965.6), dbSNP rs751264474, ClinGen allele CA1317131.

ClinVar aggregate classification (germline): Uncertain significance (1 of 4 stars; one submission).

Allele frequency attached by ClinVar (database versions not stated): gnomAD 0.00001; TOPMed 0.00001; ExAC 0.00002.
gnomAD v4.1: 13 of 1,594,982 alleles (0.00082%); highest among the groups gnomAD compares: Middle Eastern, 0.017%; no homozygotes.

Submission:

Labcorp Genetics (formerly Invitae), Labcorp
Classification: Uncertain significance. Last evaluated: 2022-07-05. Review status: criteria provided, single submitter. Criteria: Invitae Variant Classification Sherloc (09022015). Collection method: clinical testing. Allele origin: germline.
Comment: In summary, the available evidence is currently insufficient to determine the role of this variant in disease. Therefore, it has been classified as a Variant of Uncertain Significance. Algorithms developed to predict the effect of missense changes on protein structure and function (SIFT, PolyPhen-2, Align-GVGD) all suggest that this variant is likely to be tolerated. ClinVar contains an entry for this variant (Variation ID: 1476965). This variant has not been reported in the literature in individuals affected with KIF14-related conditions. This variant is present in population databases (rs751264474, gnomAD 0.01%). This sequence change replaces arginine, which is basic and polar, with glutamine, which is neutral and polar, at codon 1301 of the KIF14 protein (p.Arg1301Gln).